The following is an entry in ClinVar:

NM_031471.6(FERMT3):c.515-5T>A

Gene: FERMT3 (FERM domain containing kindlin 3; plus strand). Cytogenetic location: 11q13.1.
Variant type: single nucleotide variant.
Coding change: c.515-5T>A on transcript NM_031471.6 (MANE Select); 5 bases into the intron before coding-DNA position 515, T replaced by A.
Molecular consequence: intron variant.
Genome position (GRCh38, 1-based): chr11:64,211,270, T>A. VCF-style: chr11-64211270-T-A. GRCh37 (hg19) VCF-style: chr11-63978742-T-A.
Other names: c.515-5T>A (NM_001382448.1, NM_178443.3, NM_001382362.1 and 1 more transcripts); c.-26-5T>A (NM_001382364.1, NM_001382363.1).
Identifiers: ClinVar variation 733189 (VCV000733189.40), dbSNP rs371192713, ClinGen allele CA6068800.

ClinVar aggregate classification (germline): Conflicting classifications of pathogenicity. Review status: criteria provided, conflicting classifications (1 of 4 stars). 5 submissions from 5 submitters: Uncertain significance (1); Likely benign (4). Last evaluated 2026-01-04.

Conditions:
FERMT3-related disorder. Also called: FERMT3-related condition.
Leukocyte adhesion deficiency 3. Also called: INTEGRIN ACTIVATION DEFICIENCY DISEASE; LEUKOCYTE ADHESION DEFICIENCY 1 VARIANT; Leukocyte adhesion deficiency, type III. Identifiers: Orphanet 2968, Orphanet 99844, MedGen C2748536, MONDO:0013016, OMIM 612840.

Allele frequency attached by ClinVar (database versions not stated): TOPMed 0.00032; gnomAD 0.00039 and 0.00041; gnomAD exomes 0.00039 and 0.00044; ESP Exome Variant Server 0.00046; ExAC 0.00051.
gnomAD v4.1: 615 of 1,612,938 alleles (0.038%); highest among the groups gnomAD compares: Non-Finnish European, 0.044%; no homozygotes.

Submissions (6):

Labcorp Genetics (formerly Invitae), Labcorp
Classification: Likely benign for Leukocyte adhesion deficiency 3. Last evaluated: 2026-01-04. Review status: criteria provided, single submitter. Criteria: Invitae Variant Classification Sherloc (09022015). Collection method: clinical testing. Allele origin: germline.

CeGaT Center for Human Genetics Tuebingen
Classification: Likely benign. Last evaluated: 2025-11-01. Review status: criteria provided, single submitter. Criteria: CeGaT Center For Human Genetics Tuebingen Variant Classification Criteria Version 2. Collection method: clinical testing. Allele origin: germline. Affected: yes. Observed: 2 variant alleles.
Comment: FERMT3: BP4, BS2

Women's Health and Genetics/Laboratory Corporation of America, LabCorp
Classification: Likely benign. Last evaluated: 2025-04-30. Review status: criteria provided, single submitter. Criteria: LabCorp Variant Classification Summary - May 2015. Collection method: clinical testing. Allele origin: germline.

PreventionGenetics, part of Exact Sciences
Classification: Likely benign for FERMT3-related condition. Last evaluated: 2025-01-23. Review status: criteria provided, single submitter. Criteria: ACMG Guidelines, 2015. Collection method: clinical testing. Allele origin: germline.
Comment: This variant is classified as likely benign based on ACMG/AMP sequence variant interpretation guidelines (Richards et al. 2015 PMID: 25741868, with internal and published modifications).

Blueprint Genetics
Classification: Uncertain significance. Last evaluated: 2024-02-22. Review status: criteria provided, single submitter. Criteria: ACMG Guidelines, 2015. Collection method: clinical testing. Allele origin: germline.

Dr. Peter K. Rogan Lab, Western University
No classification provided (evidence only). Condition: Lung cancer. Review status: no classification provided. Collection method: in vitro. Allele origin: not applicable. Functional consequence: retained intron. Not counted in ClinVar's aggregate classification.